The following is an entry in ClinVar:

ClinVar aggregate classification (germline): Uncertain significance (1 of 4 stars; one submission).

Submission:

Labcorp Genetics (formerly Invitae), Labcorp
Classification: Uncertain significance. Last evaluated: 2024-10-08. Review status: criteria provided, single submitter. Criteria: Invitae Variant Classification Sherloc (09022015). Collection method: clinical testing. Allele origin: germline.
Comment: This sequence change replaces proline, which is neutral and non-polar, with threonine, which is neutral and polar, at codon 978 of the BRD4 protein (p.Pro978Thr). This variant is not present in population databases (gnomAD no frequency). This variant has not been reported in the literature in individuals affected with BRD4-related conditions. An algorithm developed to predict the effect of missense changes on protein structure and function (PolyPhen-2) suggests that this variant is likely to be disruptive. In summary, the available evidence is currently insufficient to determine the role of this variant in disease. Therefore, it has been classified as a Variant of Uncertain Significance.

NM_001379291.1(BRD4):c.2932C>A (p.Pro978Thr)

Gene: BRD4 (bromodomain containing 4; minus strand). Cytogenetic location: 19p13.12.
Variant type: single nucleotide variant.
Coding change: c.2932C>A on transcript NM_001379291.1 (MANE Select); coding-DNA position 2932, C replaced by A.
Protein change: p.Pro978Thr; replaces proline 978 with threonine.
Molecular consequence: missense variant.
Genome position (GRCh38, 1-based): chr19:15,243,137, G>T on the plus strand (C>A on the coding strand, the complement: BRD4 is on the minus strand). VCF-style: chr19-15243137-G-T. GRCh37 (hg19) VCF-style: chr19-15353948-G-T.
Other names: c.2932C>A, p.Pro978Thr (NM_058243.3); short protein forms P978T.
Identifiers: ClinVar variation 3683813 (VCV003683813.2).